The following is an entry in ClinVar:

ClinVar aggregate classification (germline): Pathogenic (1 of 4 stars; one submission).

Submission:

Labcorp Genetics (formerly Invitae), Labcorp
Classification: Pathogenic. Last evaluated: 2022-10-17. Review status: criteria provided, single submitter. Criteria: Invitae Variant Classification Sherloc (09022015). Collection method: clinical testing. Allele origin: germline.
Comment: For these reasons, this variant has been classified as Pathogenic. This variant disrupts the p.Tyr603 amino acid residue in ABCA4. Other variant(s) that disrupt this residue have been determined to be pathogenic (PMID: 34073554). This suggests that this residue is clinically significant, and that variants that disrupt this residue are likely to be disease-causing. Advanced modeling of protein sequence and biophysical properties (such as structural, functional, and spatial information, amino acid conservation, physicochemical variation, residue mobility, and thermodynamic stability) performed at Invitae indicates that this missense variant is expected to disrupt ABCA4 protein function. This missense change has been observed in individual(s) with Stargardt disease (PMID: 26780318; Invitae). This variant is not present in population databases (gnomAD no frequency). This sequence change replaces tyrosine, which is neutral and polar, with cysteine, which is neutral and slightly polar, at codon 603 of the ABCA4 protein (p.Tyr603Cys).

Literature cited by the submitters: PubMed 34073554; PubMed 26780318.

NM_000350.3(ABCA4):c.1808A>G (p.Tyr603Cys)

Gene: ABCA4 (ATP binding cassette subfamily A member 4; minus strand). Cytogenetic location: 1p22.1.
Variant type: single nucleotide variant.
Coding change: c.1808A>G on transcript NM_000350.3 (MANE Select); coding-DNA position 1808, A replaced by G.
Protein change: p.Tyr603Cys; replaces tyrosine 603 with cysteine.
Molecular consequence: missense variant.
Genome position (GRCh38, 1-based): chr1:94,062,706, T>C on the plus strand (A>G on the coding strand, the complement: ABCA4 is on the minus strand). VCF-style: chr1-94062706-T-C. GRCh37 (hg19) VCF-style: chr1-94528262-T-C.
Other names: c.1808A>G, p.Tyr603Cys (NM_001425324.1); short protein forms Y603C.
Identifiers: ClinVar variation 2202803 (VCV002202803.4), dbSNP rs2101078386, ClinGen allele CA341279646.